The following is an entry in ClinVar:

ClinVar aggregate classification (germline): Uncertain significance (1 of 4 stars; one submission).

Allele frequency attached by ClinVar (database versions not stated): gnomAD exomes 0.00001; ExAC 0.00002.

Submission:

Labcorp Genetics (formerly Invitae), Labcorp
Classification: Uncertain significance. Last evaluated: 2025-11-18. Review status: criteria provided, single submitter. Criteria: Invitae Variant Classification Sherloc (09022015). Collection method: clinical testing. Allele origin: germline.
Comment: This sequence change replaces leucine, which is neutral and non-polar, with proline, which is neutral and non-polar, at codon 472 of the THBD protein (p.Leu472Pro). This variant is present in population databases (rs764592263, gnomAD 0.003%). This variant has not been reported in the literature in individuals affected with THBD-related conditions. ClinVar contains an entry for this variant (Variation ID: 1399615). Invitae Evidence Modeling of protein sequence and biophysical properties (such as structural, functional, and spatial information, amino acid conservation, physicochemical variation, residue mobility, and thermodynamic stability) indicates that this missense variant is not expected to disrupt THBD protein function with a negative predictive value of 80%. In summary, the available evidence is currently insufficient to determine the role of this variant in disease. Therefore, it has been classified as a Variant of Uncertain Significance.

NM_000361.3(THBD):c.1415T>C (p.Leu472Pro)

Gene: THBD (thrombomodulin; minus strand). Cytogenetic location: 20p11.21.
Variant type: single nucleotide variant.
Coding change: c.1415T>C on transcript NM_000361.3 (MANE Select); coding-DNA position 1415, T replaced by C.
Protein change: p.Leu472Pro; replaces leucine 472 with proline.
Molecular consequence: missense variant.
Genome position (GRCh38, 1-based): chr20:23,048,090, A>G on the plus strand (T>C on the coding strand, the complement: THBD is on the minus strand). VCF-style: chr20-23048090-A-G. GRCh37 (hg19) VCF-style: chr20-23028727-A-G.
Other names: short protein forms L472P.
Identifiers: ClinVar variation 1399615 (VCV001399615.6), dbSNP rs764592263, ClinGen allele CA9787563.